The following is an entry in ClinVar:

ClinVar aggregate classification (germline): Uncertain significance (1 of 4 stars; one submission).

Conditions:
Brachyolmia-amelogenesis imperfecta syndrome. Also called: Tooth agenesis, selective, 6; Dental anomalies and short stature; PLATYSPONDYLY WITH AMELOGENESIS IMPERFECTA. Identifiers: Orphanet 2899, MedGen C1832594, MONDO:0011018, OMIM 601216. Disease mechanism: loss of function.

Submission:

Labcorp Genetics (formerly Invitae), Labcorp
Classification: Uncertain significance for Brachyolmia-amelogenesis imperfecta syndrome. Last evaluated: 2025-10-26. Review status: criteria provided, single submitter. Criteria: Invitae Variant Classification Sherloc (09022015). Collection method: clinical testing. Allele origin: germline.
Comment: This variant, c.88_105dup, results in the insertion of 6 amino acid(s) of the LTBP3 protein (p.Leu30_Leu35dup), but otherwise preserves the integrity of the reading frame. This variant is not present in population databases (gnomAD no frequency). This variant has not been reported in the literature in individuals affected with LTBP3-related conditions. In summary, the available evidence is currently insufficient to determine the role of this variant in disease. Therefore, it has been classified as a Variant of Uncertain Significance.

NM_001130144.3(LTBP3):c.76CTG[16] (p.Leu35_Gly36insLeuLeuLeuLeuLeuLeu)

Gene: LTBP3 (latent transforming growth factor beta binding protein 3; minus strand). Cytogenetic location: 11q13.1.
Variant type: Microsatellite.
Coding change: c.76CTG[16] on transcript NM_001130144.3 (MANE Select); 16 copies in a row of the 3-base unit CTG starting at c.76; the reference has ten copies in a row; six copies, 18 bases duplicated.
Protein change: p.Leu35_Gly36insLeuLeuLeuLeuLeuLeu.
Molecular consequence: 5 prime UTR variant (on NM_001164266.1).
Genome position (GRCh38, 1-based): chr11:65,557,855-65,557,872, CAGCAGCAGCAGCAGCAG duplicated on the plus strand (CTGCTGCTGCTGCTGCTG on the coding strand, the reverse complement: LTBP3 is on the minus strand); duplicating any 18 consecutive bases within chr11:65,557,855-65,557,885 gives the same sequence; the position shown is the placement nearest the transcript's 3' end. VCF-style (leftmost placement, unchanged base first): chr11-65557854-C-CCAGCAGCAGCAGCAGCAG. GRCh37 (hg19) VCF-style: chr11-65325325-C-CCAGCAGCAGCAGCAGCAG.
Other names: c.-272CTG[16] (NM_001164266.1); c.76CTG[16], p.Leu35_Gly36insLeuLeuLeuLeuLeuLeu (NM_021070.4).
Identifiers: ClinVar variation 4760584 (VCV004760584.1).